The following is an entry in ClinVar:

NM_001367624.2(ZNF469):c.9703G>A (p.Ala3235Thr)

Gene: ZNF469 (zinc finger protein 469; plus strand). Cytogenetic location: 16q24.2.
Variant type: single nucleotide variant.
Coding change: c.9703G>A on transcript NM_001367624.2 (MANE Select); coding-DNA position 9703, G replaced by A.
Protein change: p.Ala3235Thr; replaces alanine 3235 with threonine.
Molecular consequence: missense variant.
Genome position (GRCh38, 1-based): chr16:88,437,173, G>A. VCF-style: chr16-88437173-G-A. GRCh37 (hg19) VCF-style: chr16-88503581-G-A.
Other names: NM_001127464.1:c.9619G>A; short protein forms A3235T.
Identifiers: ClinVar variation 2576780 (VCV002576780.3), dbSNP rs548544358, ClinGen allele CA8225447.
Genomic context (GRCh38, chr16:88,437,173, plus strand): 5'-CCCGGAGGCCTGGAGGGCAGCAGCGCTGTCGCCCACCTTCTGAACAGCATCACGGAACCC[G>A]CGCCCAAACACCACAGGGGCAAGCGCTCCGCCGGCAAGGCCGCCGGGAGCCCGGGAGACC-3'
Protein context (NP_001354553.1, residues 3225-3245): AHLLNSITEP[Ala3235Thr]PKHHRGKRSA

ClinVar aggregate classification (germline): Conflicting classifications of pathogenicity. Review status: criteria provided, conflicting classifications (1 of 4 stars). 3 submissions from 3 submitters: Uncertain significance (2); Benign (1). Last evaluated 2025-09-21.

Conditions:
Cardiovascular phenotype. Identifiers: MedGen CN230736.

Allele frequency attached by ClinVar (database versions not stated): gnomAD 0.00013; TOPMed 0.00013; ExAC 0.00017; 1000 Genomes Project 0.00020; 1000 Genomes Project 30x 0.00031.
gnomAD v4.1: 35 of 1,549,474 alleles (0.0023%); highest among the groups gnomAD compares: African/African-American, 0.044%; no homozygotes.

Submissions (3):

Labcorp Genetics (formerly Invitae), Labcorp
Classification: Uncertain significance. Last evaluated: 2025-09-21. Review status: criteria provided, single submitter. Criteria: Invitae Variant Classification Sherloc (09022015). Collection method: clinical testing. Allele origin: germline.
Comment: This sequence change replaces alanine, which is neutral and non-polar, with threonine, which is neutral and polar, at codon 3207 of the ZNF469 protein (p.Ala3207Thr). This variant is present in population databases (rs548544358, gnomAD 0.06%). This variant has not been reported in the literature in individuals affected with ZNF469-related conditions. ClinVar contains an entry for this variant (Variation ID: 2576780). An algorithm developed to predict the effect of missense changes on protein structure and function outputs the following: PolyPhen-2: "Benign". The threonine amino acid residue is found in multiple mammalian species, which suggests that this missense change does not adversely affect protein function. In summary, the available evidence is currently insufficient to determine the role of this variant in disease. Therefore, it has been classified as a Variant of Uncertain Significance.

Ambry Genetics
Classification: Benign for Cardiovascular phenotype. Last evaluated: 2024-11-04. Review status: criteria provided, single submitter. Criteria: Ambry Variant Classification Scheme 2023. Collection method: clinical testing. Allele origin: germline.

GeneDx
Classification: Uncertain significance. Last evaluated: 2023-08-17. Review status: criteria provided, single submitter. Criteria: GeneDx Variant Classification Process June 2021. Collection method: clinical testing. Allele origin: germline. Affected: yes.
Comment: In silico analysis supports that this missense variant does not alter protein structure/function; Has not been previously published as pathogenic or benign to our knowledge